The following is an entry in ClinVar:

NM_001042413.2(GLIS3):c.171C>T (p.Asn57=)

Gene: GLIS3 (GLIS family zinc finger 3; minus strand). Cytogenetic location: 9p24.2.
Variant type: single nucleotide variant.
Coding change: c.171C>T on transcript NM_001042413.2 (MANE Select); coding-DNA position 171, C replaced by T.
Protein change: p.Asn57=; no amino-acid change (asparagine 57 retained).
Molecular consequence: synonymous variant. On other transcripts: 5 prime UTR variant (2), intron variant (3).
Genome position (GRCh38, 1-based): chr9:4,286,255, G>A on the plus strand (C>T on the coding strand, the complement: GLIS3 is on the minus strand). VCF-style: chr9-4286255-G-A. GRCh37 (hg19) VCF-style: chr9-4286255-G-A.
Other names: c.171C>T, p.Asn57= (NM_001438906.1, NM_001438907.1, NM_001438908.1 and 2 more transcripts); c.-288C>T (NM_001438911.1, NM_001438916.1); c.-71+13166C>T (NM_001438912.1); c.-78+13166C>T (NM_001438909.1, NM_001438915.1).
Identifiers: ClinVar variation 257273 (VCV000257273.41), dbSNP rs117802495, ClinGen allele CA4968671.
Genomic context (GRCh38, chr9:4,286,255, plus strand): 5'-GCTCTCAGCCACGTTGTTCTGAGGAGCCATCCCTCCTCCTGAGGGCATCTTGAGATGGAG[G>A]TTGTTAGCAAGGCTTGCCATAGTGGGACTCGATGTGCTGCCACAGGGCGAGGGGCCAGGA-3'
Protein context (NP_001035878.1, residues 47-67): SSPTMASLAN[Asn57=]LHLKMPSGGG

ClinVar aggregate classification (germline): Benign/Likely benign. Review status: criteria provided, multiple submitters, no conflicts (2 of 4 stars). 8 submissions from 8 submitters: Benign (6); Likely benign (2). Last evaluated 2026-10-01.

Conditions:
Transitory neonatal diabetes mellitus. Also called: Transient neonatal diabetes mellitus. Identifiers: MedGen C0342273, MONDO:0020525, HP:0008255.
Neonatal diabetes mellitus with congenital hypothyroidism. Also called: NDH SYNDROME. Identifiers: Orphanet 79118, MedGen C1857775, MONDO:0012436, OMIM 610199.

Allele frequency attached by ClinVar (database versions not stated): ESP Exome Variant Server 0.00864; gnomAD 0.00947 and 0.00928; 1000 Genomes Project 0.00439; 1000 Genomes Project 30x 0.00468; TOPMed 0.00732; gnomAD exomes 0.00926 and 0.01205; ExAC 0.00906.
gnomAD v4.1: 18,782 of 1,614,230 alleles (1.2%); highest among the groups gnomAD compares: Non-Finnish European, 1.4%; 156 homozygotes.

Submissions (8):

CeGaT Center for Human Genetics Tuebingen
Classification: Benign. Last evaluated: 2026-10-01. Review status: criteria provided, single submitter. Criteria: CeGaT Center For Human Genetics Tuebingen Variant Classification Criteria Version 2. Collection method: clinical testing. Allele origin: germline. Affected: yes. Observed: 10 variant alleles.
Comment: GLIS3: BP4, BP7, BS1, BS2

Labcorp Genetics (formerly Invitae), Labcorp
Classification: Benign. Last evaluated: 2023-05-04. Review status: criteria provided, single submitter. Criteria: Invitae Variant Classification Sherloc (09022015). Collection method: clinical testing. Allele origin: germline.

Genetic Services Laboratory, University of Chicago
Classification: Benign. Last evaluated: 2021-10-01. Review status: criteria provided, single submitter. Criteria: ACMG Guidelines, 2015. Collection method: clinical testing. Allele origin: germline. Affected: no.

GeneDx
Classification: Likely benign. Last evaluated: 2019-09-13. Review status: criteria provided, single submitter. Criteria: GeneDx Variant Classification Process June 2021. Collection method: clinical testing. Allele origin: germline. Affected: yes.

Illumina Laboratory Services, Illumina
Classification: Benign for Neonatal diabetes mellitus with congenital hypothyroidism. Last evaluated: 2018-01-13. Review status: criteria provided, single submitter. Criteria: ICSL Variant Classification Criteria 13 December 2019. Collection method: clinical testing. Allele origin: germline.
Comment: This variant was observed in the ICSL laboratory as part of a predisposition screen in an ostensibly healthy population. It had not been previously curated by ICSL or reported in the Human Gene Mutation Database (HGMD: prior to June 1st, 2018), and was therefore a candidate for classification through an automated scoring system. Utilizing variant allele frequency, disease prevalence and penetrance estimates, and inheritance mode, an automated score was calculated to assess if this variant is too frequent to cause the disease. Based on the score and internal cut-off values, a variant classified as benign is not then subjected to further curation. The score for this variant resulted in a classification of benign for this disease.

Breakthrough Genomics
Classification: Likely benign. Review status: criteria provided, single submitter. Criteria: ACMG Guidelines, 2015. Collection method: not provided. Allele origin: germline. Inheritance: Autosomal recessive inheritance. Affected: yes.

Clinical Genomics, Uppaluri K&H Personalized Medicine Clinic
Classification: Benign for Transitory neonatal diabetes mellitus. Review status: criteria provided, single submitter. Criteria: K & H Uppaluri Personalized Medicine Clinic Variant Classification & Assertion Criteria_Updated V.1. Collection method: research. Allele origin: unknown.
Comment: Potent mutations in GLIS3 predisposes to neonatal diabetes mellitus with an extra pancreatic manifestation of hypothyroidism. It also predisposes to early onset diabetes in adults.However no sufficient evidence is found to ascertain the role of this particular variant rs117802495, yet.

PreventionGenetics, part of Exact Sciences
Classification: Benign. Review status: criteria provided, single submitter. Criteria: ACMG Guidelines, 2015. Collection method: clinical testing. Allele origin: germline.

Literature cited by the submitters: PubMed 32693112 (cited by Clinical Genomics, Uppaluri K&H Personalized Medicine Clinic); PubMed 27899417 (cited by Clinical Genomics, Uppaluri K&H Personalized Medicine Clinic); PubMed 29992946 (cited by Clinical Genomics, Uppaluri K&H Personalized Medicine Clinic); PubMed 35394098 (cited by Clinical Genomics, Uppaluri K&H Personalized Medicine Clinic); PubMed 29146476 (cited by Clinical Genomics, Uppaluri K&H Personalized Medicine Clinic).